The following is an entry in ClinVar:

ClinVar aggregate classification (germline): Uncertain significance (1 of 4 stars; one submission).

Submission:

GeneDx
Classification: Uncertain significance. Last evaluated: 2024-07-09. Review status: criteria provided, single submitter. Criteria: GeneDx Variant Classification Process June 2021. Collection method: clinical testing. Allele origin: germline. Affected: yes.
Comment: Not observed at significant frequency in large population cohorts (gnomAD); In silico analysis supports that this missense variant has a deleterious effect on protein structure/function; Has not been previously published as pathogenic or benign to our knowledge

NM_017565.4(FAM20A):c.294C>A (p.His98Gln)

Gene: FAM20A (FAM20A golgi associated secretory pathway pseudokinase; minus strand). Cytogenetic location: 17q24.2.
Variant type: single nucleotide variant.
Coding change: c.294C>A on transcript NM_017565.4 (MANE Select); coding-DNA position 294, C replaced by A.
Protein change: p.His98Gln; replaces histidine 98 with glutamine.
Molecular consequence: missense variant. On other transcripts: 5 prime UTR variant (1).
Genome position (GRCh38, 1-based): chr17:68,600,373, G>T on the plus strand (C>A on the coding strand, the complement: FAM20A is on the minus strand). VCF-style: chr17-68600373-G-T. GRCh37 (hg19) VCF-style: chr17-66596514-G-T.
Other names: c.-347C>A (NM_001243746.2); short protein forms H98Q.
Identifiers: ClinVar variation 3572799 (VCV003572799.1).